The following is an entry in ClinVar:

NM_018055.5(NODAL):c.895C>A (p.Leu299Met)

Gene: NODAL (nodal growth differentiation factor; minus strand). Cytogenetic location: 10q22.1.
Variant type: single nucleotide variant.
Coding change: c.895C>A on transcript NM_018055.5 (MANE Select); coding-DNA position 895, C replaced by A.
Protein change: p.Leu299Met; replaces leucine 299 with methionine.
Molecular consequence: missense variant.
Genome position (GRCh38, 1-based): chr10:70,433,085, G>T on the plus strand (C>A on the coding strand, the complement: NODAL is on the minus strand). VCF-style: chr10-70433085-G-T. GRCh37 (hg19) VCF-style: chr10-72192841-G-T.
Other names: c.496C>A, p.Leu166Met (NM_001329906.2); short protein forms L166M, L299M.
Identifiers: ClinVar variation 2446683 (VCV002446683.1), dbSNP rs2132212671, ClinGen allele CA376945121.

ClinVar aggregate classification (germline): Uncertain significance (1 of 4 stars; one submission).

Submission:

GeneDx
Classification: Uncertain significance. Last evaluated: 2022-10-03. Review status: criteria provided, single submitter. Criteria: GeneDx Variant Classification Process June 2021. Collection method: clinical testing. Allele origin: germline. Affected: yes.
Comment: Not observed at significant frequency in large population cohorts (gnomAD); In silico analysis supports that this missense variant does not alter protein structure/function; Has not been previously published as pathogenic or benign to our knowledge